The following is an entry in ClinVar:

NM_001330260.2(SCN8A):c.3275T>G (p.Leu1092Trp)

Gene: SCN8A (sodium voltage-gated channel alpha subunit 8; plus strand). Cytogenetic location: 12q13.13.
Variant type: single nucleotide variant.
Coding change: c.3275T>G on transcript NM_001330260.2 (MANE Select); coding-DNA position 3275, T replaced by G.
Protein change: p.Leu1092Trp; replaces leucine 1092 with tryptophan.
Molecular consequence: missense variant.
Genome position (GRCh38, 1-based): chr12:51,769,238, T>G. VCF-style: chr12-51769238-T-G. GRCh37 (hg19) VCF-style: chr12-52163022-T-G.
Other names: c.3275T>G, p.Leu1092Trp (NM_001177984.3, NM_001369788.1, NM_014191.4); short protein forms L1092W.
Identifiers: ClinVar variation 1952842 (VCV001952842.5), dbSNP rs1199484967, ClinGen allele CA384893346.

ClinVar aggregate classification (germline): Uncertain significance (1 of 4 stars; one submission).

Conditions:
Early-infantile DEE. Also called: Ohtahara syndrome; Early infantile epileptic encephalopathy with suppression bursts; Early infantile epileptic encephalopathy. Identifiers: Orphanet 1934, MedGen C0393706, MONDO:0800491.

Allele frequency attached by ClinVar (database versions not stated): gnomAD exomes below 0.00001.
gnomAD v4.1: 1 of 1,613,922 alleles (0.000062%); highest among the groups gnomAD compares: South Asian, 0.0011%; no homozygotes.

Submission:

Labcorp Genetics (formerly Invitae), Labcorp
Classification: Uncertain significance for Early-infantile DEE. Last evaluated: 2022-06-24. Review status: criteria provided, single submitter. Criteria: Invitae Variant Classification Sherloc (09022015). Collection method: clinical testing. Allele origin: germline.
Comment: Algorithms developed to predict the effect of missense changes on protein structure and function are either unavailable or do not agree on the potential impact of this missense change (SIFT: "Deleterious"; PolyPhen-2: "Probably Damaging"; Align-GVGD: "Class C0"). In summary, the available evidence is currently insufficient to determine the role of this variant in disease. Therefore, it has been classified as a Variant of Uncertain Significance. This sequence change replaces leucine, which is neutral and non-polar, with tryptophan, which is neutral and slightly polar, at codon 1092 of the SCN8A protein (p.Leu1092Trp). This variant is present in population databases (no rsID available, gnomAD 0.003%). This variant has not been reported in the literature in individuals affected with SCN8A-related conditions.